The following is an entry in ClinVar:

NM_014363.6(SACS):c.11763C>T (p.Ile3921=)

Gene: SACS (sacsin molecular chaperone; minus strand). Cytogenetic location: 13q12.12.
Variant type: single nucleotide variant.
Coding change: c.11763C>T on transcript NM_014363.6 (MANE Select); coding-DNA position 11763, C replaced by T.
Protein change: p.Ile3921=; no amino-acid change (isoleucine 3921 retained).
Molecular consequence: synonymous variant.
Genome position (GRCh38, 1-based): chr13:23,332,113, G>A on the plus strand (C>T on the coding strand, the complement: SACS is on the minus strand). VCF-style: chr13-23332113-G-A. GRCh37 (hg19) VCF-style: chr13-23906252-G-A.
Other names: c.11322C>T, p.Ile3774= (NM_001278055.2).
Identifiers: ClinVar variation 696466 (VCV000696466.10), dbSNP rs749093421, ClinGen allele CA6910225.

ClinVar aggregate classification (germline): Likely benign. Review status: criteria provided, multiple submitters, no conflicts (2 of 4 stars). 2 submissions from 2 submitters: Likely benign (2). Last evaluated 2026-04-21.

Conditions:
SACS-related disorder. Also called: SACS-related condition.
Spastic paraplegia. Identifiers: MedGen C0037772, HP:0001258.

Allele frequency attached by ClinVar (database versions not stated): gnomAD exomes 0.00004; TOPMed 0.00004; ExAC 0.00005; gnomAD 0.00005.
gnomAD v4.1: 89 of 1,613,912 alleles (0.0055%); highest among the groups gnomAD compares: Non-Finnish European, 0.0074%; no homozygotes.

Submissions (2):

PreventionGenetics, part of Exact Sciences
Classification: Likely benign for SACS-related condition. Last evaluated: 2026-04-21. Review status: criteria provided, single submitter. Criteria: ACMG Guidelines, 2015. Collection method: clinical testing. Allele origin: germline.
Comment: This variant is classified as likely benign based on ACMG/AMP sequence variant interpretation guidelines (Richards et al. 2015 PMID: 25741868, with internal and published modifications).

Labcorp Genetics (formerly Invitae), Labcorp
Classification: Likely benign for Spastic paraplegia. Last evaluated: 2025-04-11. Review status: criteria provided, single submitter. Criteria: Invitae Variant Classification Sherloc (09022015). Collection method: clinical testing. Allele origin: germline.